The following is an entry in ClinVar:

ClinVar aggregate classification (germline): Uncertain significance (1 of 4 stars; one submission).

Conditions:
Emery-Dreifuss muscular dystrophy 5, autosomal dominant (EDMD5). Also called: EMERY-DREIFUSS MUSCULAR DYSTROPHY 5. Identifiers: Orphanet 261, MedGen C2751805, MONDO:0013072, OMIM 612999.

Submission:

Labcorp Genetics (formerly Invitae), Labcorp
Classification: Uncertain significance for Emery-Dreifuss muscular dystrophy 5, autosomal dominant. Last evaluated: 2023-04-07. Review status: criteria provided, single submitter. Criteria: Invitae Variant Classification Sherloc (09022015). Collection method: clinical testing. Allele origin: germline.
Comment: In summary, the available evidence is currently insufficient to determine the role of this variant in disease. Therefore, it has been classified as a Variant of Uncertain Significance. Variants that disrupt the consensus splice site are a relatively common cause of aberrant splicing (PMID: 17576681, 9536098). Algorithms developed to predict the effect of sequence changes on RNA splicing suggest that this variant is not likely to affect RNA splicing. This variant has not been reported in the literature in individuals affected with SYNE2-related conditions. This variant is not present in population databases (gnomAD no frequency). This sequence change affects codon 5904 of the SYNE2 mRNA. It is a 'silent' change, meaning that it does not change the encoded amino acid sequence of the SYNE2 protein. This variant also falls at the last nucleotide of exon 97, which is part of the consensus splice site for this exon.

Literature cited by the submitters: PubMed 17576681; PubMed 9536098.

NM_182914.3(SYNE2):c.17712G>A (p.Arg5904=)

Gene: SYNE2 (spectrin repeat containing nuclear envelope protein 2; plus strand). Cytogenetic location: 14q23.2.
Variant type: single nucleotide variant.
Coding change: c.17712G>A on transcript NM_182914.3 (MANE Select); coding-DNA position 17712, G replaced by A.
Protein change: p.Arg5904=; no amino-acid change (arginine 5904 retained).
Molecular consequence: synonymous variant.
Genome position (GRCh38, 1-based): chr14:64,186,579, G>A. VCF-style: chr14-64186579-G-A. GRCh37 (hg19) VCF-style: chr14-64653297-G-A.
Other names: c.17712G>A, p.Arg5904= (NM_015180.6).
Identifiers: ClinVar variation 2880355 (VCV002880355.3), dbSNP rs2098492267, ClinGen allele CA486718299.